The following is an entry in ClinVar:

NM_152542.5(PPM1K):c.946T>C (p.Cys316Arg)

Gene: PPM1K (protein phosphatase, Mg2+/Mn2+ dependent 1K; minus strand). Cytogenetic location: 4q22.1.
Variant type: single nucleotide variant.
Coding change: c.946T>C on transcript NM_152542.5 (MANE Select); coding-DNA position 946, T replaced by C.
Protein change: p.Cys316Arg; replaces cysteine 316 with arginine.
Molecular consequence: missense variant.
Genome position (GRCh38, 1-based): chr4:88,265,042, A>G on the plus strand (T>C on the coding strand, the complement: PPM1K is on the minus strand). VCF-style: chr4-88265042-A-G. GRCh37 (hg19) VCF-style: chr4-89186194-A-G.
Other names: short protein forms C316R.
Identifiers: ClinVar variation 3605534 (VCV003605534.2).

ClinVar aggregate classification (germline): Uncertain significance (1 of 4 stars; one submission).

Conditions:
Maple syrup urine disease, mild variant (MSUDMV). Identifiers: Orphanet 511, MedGen C3554575, MONDO:0014057, OMIM 615135.

gnomAD v4.1: 4 of 1,614,132 alleles (0.00025%); highest among the groups gnomAD compares: Non-Finnish European, 0.00017%; no homozygotes.

Submission:

Labcorp Genetics (formerly Invitae), Labcorp
Classification: Uncertain significance for Maple syrup urine disease, mild variant. Last evaluated: 2025-12-08. Review status: criteria provided, single submitter. Criteria: Invitae Variant Classification Sherloc (09022015). Collection method: clinical testing. Allele origin: germline.
Comment: This sequence change replaces cysteine, which is neutral and slightly polar, with arginine, which is basic and polar, at codon 316 of the PPM1K protein (p.Cys316Arg). This variant is present in population databases (rs777816379, gnomAD 0.003%). This variant has not been reported in the literature in individuals affected with PPM1K-related conditions. ClinVar contains an entry for this variant (Variation ID: 3605534). An algorithm developed to predict the effect of missense changes on protein structure and function (PolyPhen-2) suggests that this variant is likely to be tolerated. In summary, the available evidence is currently insufficient to determine the role of this variant in disease. Therefore, it has been classified as a Variant of Uncertain Significance.